The following is an entry in ClinVar:

ClinVar aggregate classification (germline): Uncertain significance. Review status: criteria provided, multiple submitters, no conflicts (2 of 4 stars). 2 submissions from 2 submitters: Uncertain significance (2). Last evaluated 2023-05-31.

Conditions:
Ataxia-telangiectasia syndrome (AT). Also called: Cerebello-oculocutaneous telangiectasia; ATAXIA-TELANGIECTASIA, COMPLEMENTATION GROUP A; ATAXIA-TELANGIECTASIA, FRESNO VARIANT; Ataxia-telangiectasia, complementation group D; AT, COMPLEMENTATION GROUP C; Immunodeficiency with ataxia telangiectasia. Identifiers: Orphanet 100, MedGen C0004135, MONDO:0008840, OMIM 208900.
Hereditary cancer-predisposing syndrome. Also called: Hereditary neoplastic syndrome; Tumor predisposition; Neoplastic Syndromes, Hereditary; Hereditary Cancer Syndrome. Identifiers: Orphanet 140162, MedGen C0027672, MeSH D009386, MONDO:0015356.

Submissions (2):

Ambry Genetics
Classification: Uncertain significance for Hereditary cancer-predisposing syndrome. Last evaluated: 2023-05-31. Review status: criteria provided, single submitter. Criteria: Ambry Variant Classification Scheme 2023. Collection method: clinical testing. Allele origin: germline.
Comment: The p.N133K variant (also known as c.399T>G), located in coding exon 4 of the ATM gene, results from a T to G substitution at nucleotide position 399. The asparagine at codon 133 is replaced by lysine, an amino acid with similar properties. This amino acid position is not well conserved in available vertebrate species. In addition, this alteration is predicted to be tolerated by in silico analysis. Since supporting evidence is limited at this time, the clinical significance of this alteration remains unclear.

Labcorp Genetics (formerly Invitae), Labcorp
Classification: Uncertain significance for Ataxia-telangiectasia syndrome. Last evaluated: 2022-08-18. Review status: criteria provided, single submitter. Criteria: Invitae Variant Classification Sherloc (09022015). Collection method: clinical testing. Allele origin: germline.
Comment: In summary, the available evidence is currently insufficient to determine the role of this variant in disease. Therefore, it has been classified as a Variant of Uncertain Significance. Advanced modeling of protein sequence and biophysical properties (such as structural, functional, and spatial information, amino acid conservation, physicochemical variation, residue mobility, and thermodynamic stability) performed at Invitae indicates that this missense variant is not expected to disrupt ATM protein function. This variant has not been reported in the literature in individuals affected with ATM-related conditions. This variant is not present in population databases (gnomAD no frequency). This sequence change replaces asparagine, which is neutral and polar, with lysine, which is basic and polar, at codon 133 of the ATM protein (p.Asn133Lys).

NM_000051.4(ATM):c.399T>G (p.Asn133Lys)

Gene: ATM (ATM serine/threonine kinase; plus strand). Cytogenetic location: 11q22.3.
Variant type: single nucleotide variant.
Coding change: c.399T>G on transcript NM_000051.4 (MANE Select); coding-DNA position 399, T replaced by G.
Protein change: p.Asn133Lys; replaces asparagine 133 with lysine.
Molecular consequence: missense variant.
Genome position (GRCh38, 1-based): chr11:108,235,737, T>G. VCF-style: chr11-108235737-T-G. GRCh37 (hg19) VCF-style: chr11-108106464-T-G.
Other names: c.399T>G, p.Asn133Lys (NM_001351834.2); short protein forms N133K.
Identifiers: ClinVar variation 1716664 (VCV001716664.8), dbSNP rs1555059218, ClinGen allele CA382524954.